The following is an entry in ClinVar:

NM_001369.3(DNAH5):c.11320T>C (p.Ser3774Pro)

Genes: DNAH5 (dynein axonemal heavy chain 5; minus strand), LOC107457585 (meiotic recombination hotspot J; plus strand). Cytogenetic location: 5p15.2.
Variant type: single nucleotide variant.
Coding change: c.11320T>C on transcript NM_001369.3 (MANE Select); coding-DNA position 11320, T replaced by C.
Protein change: p.Ser3774Pro; replaces serine 3774 with proline.
Molecular consequence: missense variant.
Genome position (GRCh38, 1-based): chr5:13,737,387, A>G on the plus strand (T>C on the coding strand, the complement: DNAH5 is on the minus strand). VCF-style: chr5-13737387-A-G. GRCh37 (hg19) VCF-style: chr5-13737496-A-G.
Other names: short protein forms S3774P.
Identifiers: ClinVar variation 651152 (VCV000651152.15), dbSNP rs766646786, ClinGen allele CA3202001.

ClinVar aggregate classification (germline): Conflicting classifications of pathogenicity. Review status: criteria provided, conflicting classifications (1 of 4 stars). 8 submissions from 8 submitters: Uncertain significance (6); Benign (1). 1 of the submissions does not count toward it. Last evaluated 2026-04-23.

Conditions:
Primary ciliary dyskinesia 3. Identifiers: Orphanet 244, MedGen C1837618, MONDO:0012085, OMIM 608644.
Primary ciliary dyskinesia. Also called: Ciliary dyskinesia. Identifiers: Orphanet 244, MedGen C0008780, MONDO:0016575, HP:0012265.

Allele frequency attached by ClinVar (database versions not stated): TOPMed 0.00014; gnomAD exomes 0.00018; gnomAD 0.00022; ExAC 0.00009.
gnomAD v4.1: 290 of 1,613,890 alleles (0.018%); highest among the groups gnomAD compares: Middle Eastern, 0.049%; no homozygotes.

Submissions (8):

Myriad Genetics, Inc.
Classification: Uncertain significance for Primary ciliary dyskinesia 3. Last evaluated: 2026-04-23. Review status: criteria provided, single submitter. Criteria: Myriad Autosomal Dominant, Autosomal Recessive and X-Linked Classification Criteria (2023). Collection method: clinical testing. Allele origin: unknown.
Comment: NM_001369.2(DNAH5):c.11320T>C(S3774P) is a missense variant classified as a variant of uncertain significance in the context of primary ciliary dyskinesia, DNAH5-related. S3774P has not been observed in cases with relevant disease. Relevant functional assessments of this variant are not available in the literature. S3774P has been observed in referenced population frequency databases. In summary, there is insufficient evidence to classify NM_001369.2(DNAH5):c.11320T>C(S3774P) as pathogenic or benign. Please note: this variant was assessed in the context of healthy population screening.

Labcorp Genetics (formerly Invitae), Labcorp
Classification: Benign for Primary ciliary dyskinesia. Last evaluated: 2026-01-06. Review status: criteria provided, single submitter. Criteria: Invitae Variant Classification Sherloc (09022015). Collection method: clinical testing. Allele origin: germline.

Ambry Genetics
Classification: Uncertain significance for Primary ciliary dyskinesia. Last evaluated: 2025-01-03. Review status: criteria provided, single submitter. Criteria: Ambry Variant Classification Scheme 2023. Collection method: clinical testing. Allele origin: germline.
Comment: The p.S3774P variant (also known as c.11320T>C), located in coding exon 66 of the DNAH5 gene, results from a T to C substitution at nucleotide position 11320. The serine at codon 3774 is replaced by proline, an amino acid with similar properties. This amino acid position is highly conserved in available vertebrate species. In addition, this alteration is predicted to be deleterious by in silico analysis. Since supporting evidence is limited at this time, the clinical significance of this alteration remains unclear.

Blueprint Genetics
Classification: Uncertain significance. Last evaluated: 2024-10-31. Review status: criteria provided, single submitter. Criteria: ACMG Guidelines, 2015. Collection method: clinical testing. Allele origin: germline.

ARUP Laboratories, Molecular Genetics and Genomics, ARUP Laboratories
Classification: Uncertain significance for Primary ciliary dyskinesia 3. Last evaluated: 2023-09-21. Review status: criteria provided, single submitter. Criteria: ARUP Molecular Germline Variant Investigation Process 2024. Collection method: clinical testing. Allele origin: germline.
Comment: The DNAH5 c.11320T>C; p.Ser3774Pro variant (rs766646786), to our knowledge, is not reported in the medical literature but is reported in ClinVar (Variation ID: 651152). This variant is found in the general population with an overall allele frequency of 0.01% (28/282,824 alleles) in the Genome Aggregation Database. Computational analyses are uncertain whether this variant is neutral or deleterious (REVEL: 0.672). Due to limited information, the clinical significance of this variant is uncertain at this time.

Fulgent Genetics
Classification: Uncertain significance for Primary ciliary dyskinesia 3. Last evaluated: 2022-03-01. Review status: criteria provided, single submitter. Criteria: ACMG Guidelines, 2015. Collection method: clinical testing. Allele origin: unknown.

Breakthrough Genomics
Classification: Uncertain significance. Review status: criteria provided, single submitter. Criteria: ACMG Guidelines, 2015. Collection method: not provided. Allele origin: germline. Inheritance: Autosomal recessive inheritance. Affected: yes.

Natera, Inc.
Classification: Uncertain significance for Primary ciliary dyskinesia. Last evaluated: 2020-01-24. Review status: no assertion criteria provided. Collection method: clinical testing. Allele origin: germline. Not counted in ClinVar's aggregate classification.